The following is an entry in ClinVar:

ClinVar aggregate classification (germline): Uncertain significance (1 of 4 stars; one submission).

Submission:

Labcorp Genetics (formerly Invitae), Labcorp
Classification: Uncertain significance. Last evaluated: 2023-02-24. Review status: criteria provided, single submitter. Criteria: Invitae Variant Classification Sherloc (09022015). Collection method: clinical testing. Allele origin: germline.
Comment: This sequence change replaces alanine, which is neutral and non-polar, with valine, which is neutral and non-polar, at codon 277 of the PNLIP protein (p.Ala277Val). In summary, the available evidence is currently insufficient to determine the role of this variant in disease. Therefore, it has been classified as a Variant of Uncertain Significance. Advanced modeling of protein sequence and biophysical properties (such as structural, functional, and spatial information, amino acid conservation, physicochemical variation, residue mobility, and thermodynamic stability) has been performed at Invitae for this missense variant, however the output from this modeling did not meet the statistical confidence thresholds required to predict the impact of this variant on PNLIP protein function. This variant has not been reported in the literature in individuals affected with PNLIP-related conditions. This variant is not present in population databases (gnomAD no frequency).

NM_000936.4(PNLIP):c.830C>T (p.Ala277Val)

Gene: PNLIP (pancreatic lipase; plus strand). Cytogenetic location: 10q25.3.
Variant type: single nucleotide variant.
Coding change: c.830C>T on transcript NM_000936.4 (MANE Select); coding-DNA position 830, C replaced by T.
Protein change: p.Ala277Val; replaces alanine 277 with valine.
Molecular consequence: missense variant.
Genome position (GRCh38, 1-based): chr10:116,556,018, C>T. VCF-style: chr10-116556018-C-T. GRCh37 (hg19) VCF-style: chr10-118315530-C-T.
Other names: short protein forms A277V.
Identifiers: ClinVar variation 2840520 (VCV002840520.3), dbSNP rs1847249353, ClinGen allele CA378496654.